The following is an entry in ClinVar:

ClinVar aggregate classification (germline): Uncertain significance (1 of 4 stars; one submission).

Allele frequency attached by ClinVar (database versions not stated): ExAC 0.00001.
gnomAD v4.1: 6 of 1,608,356 alleles (0.00037%); highest among the groups gnomAD compares: South Asian, 0.0033%; no homozygotes.

Submission:

Labcorp Genetics (formerly Invitae), Labcorp
Classification: Uncertain significance. Last evaluated: 2023-12-25. Review status: criteria provided, single submitter. Criteria: Invitae Variant Classification Sherloc (09022015). Collection method: clinical testing. Allele origin: germline.
Comment: This sequence change falls in intron 8 of the GSN gene. It does not directly change the encoded amino acid sequence of the GSN protein. It affects a nucleotide within the consensus splice site. This variant is present in population databases (rs747566505, gnomAD 0.006%). This variant has not been reported in the literature in individuals affected with GSN-related conditions. Variants that disrupt the consensus splice site are a relatively common cause of aberrant splicing (PMID: 17576681, 9536098). Algorithms developed to predict the effect of sequence changes on RNA splicing suggest that this variant is not likely to affect RNA splicing. In summary, the available evidence is currently insufficient to determine the role of this variant in disease. Therefore, it has been classified as a Variant of Uncertain Significance.

Literature cited by the submitters: PubMed 17576681; PubMed 9536098.

NM_198252.3(GSN):c.976-3C>T

Gene: GSN (gelsolin; plus strand). Cytogenetic location: 9q33.2.
Variant type: single nucleotide variant.
Coding change: c.976-3C>T on transcript NM_198252.3 (MANE Select); 3 bases into the intron before coding-DNA position 976, C replaced by T.
Molecular consequence: intron variant.
Genome position (GRCh38, 1-based): chr9:121,318,662, C>T. VCF-style: chr9-121318662-C-T. GRCh37 (hg19) VCF-style: chr9-124080940-C-T.
Other names: c.1009-3C>T (NM_001353067.2, NM_001353063.2, NM_001353075.1 and 13 more transcripts); c.976-3C>T (NM_001127662.2, NM_001353062.1, NM_001127665.2 and 10 more transcripts); c.1027-3C>T (NM_001258029.2); c.1000-3C>T (NM_001258030.2); c.1129-3C>T (NM_000177.5); c.1048-3C>T (NM_001353076.2); c.322-3C>T (NM_001353078.2); c.1084-3C>T (NM_001127663.2).
Identifiers: ClinVar variation 2795508 (VCV002795508.3), dbSNP rs747566505, ClinGen allele CA5221111.